The following is an entry in ClinVar:

ClinVar aggregate classification (germline): Uncertain significance (1 of 4 stars; one submission).

Submission:

GeneDx
Classification: Uncertain significance. Last evaluated: 2023-08-14. Review status: criteria provided, single submitter. Criteria: GeneDx Variant Classification Process June 2021. Collection method: clinical testing. Allele origin: germline. Affected: yes.
Comment: Not observed at significant frequency in large population cohorts (gnomAD); In silico analysis supports that this missense variant has a deleterious effect on protein structure/function; Has not been previously published as pathogenic or benign to our knowledge

NM_001367721.1(CASK):c.357C>A (p.Ser119Arg)

Gene: CASK (calcium/calmodulin dependent serine protein kinase; minus strand). Cytogenetic location: Xp11.4.
Variant type: single nucleotide variant.
Coding change: c.357C>A on transcript NM_001367721.1 (MANE Select); coding-DNA position 357, C replaced by A.
Protein change: p.Ser119Arg; replaces serine 119 with arginine.
Molecular consequence: missense variant.
Genome position (GRCh38, 1-based): chrX:41,739,456, G>T on the plus strand (C>A on the coding strand, the complement: CASK is on the minus strand). VCF-style: chrX-41739456-G-T. GRCh37 (hg19) VCF-style: chrX-41598709-G-T.
Other names: c.357C>A, p.Ser119Arg (NM_001126054.3, NM_001126055.3, NM_001410745.1 and 1 more transcripts); short protein forms S119R.
Identifiers: ClinVar variation 2577834 (VCV002577834.1), dbSNP rs2519495161, ClinGen allele CA413002950.